The following is an entry in ClinVar:

ClinVar aggregate classification (germline): Uncertain significance (1 of 4 stars; one submission).

Conditions:
Rubinstein-Taybi syndrome due to EP300 haploinsufficiency. Also called: EP300-Related Rubinstein-Taybi Syndrome; RUBINSTEIN-TAYBI SYNDROME 2. Identifiers: Orphanet 353284, Orphanet 783, MedGen C3150941, MONDO:0013364, OMIM 613684.

Submission:

Labcorp Genetics (formerly Invitae), Labcorp
Classification: Uncertain significance for Rubinstein-Taybi syndrome due to EP300 haploinsufficiency. Last evaluated: 2024-05-06. Review status: criteria provided, single submitter. Criteria: Invitae Variant Classification Sherloc (09022015). Collection method: clinical testing. Allele origin: germline.
Comment: This sequence change replaces proline, which is neutral and non-polar, with arginine, which is basic and polar, at codon 300 of the EP300 protein (p.Pro300Arg). This variant is not present in population databases (gnomAD no frequency). This variant has not been reported in the literature in individuals affected with EP300-related conditions. Advanced modeling of protein sequence and biophysical properties (such as structural, functional, and spatial information, amino acid conservation, physicochemical variation, residue mobility, and thermodynamic stability) performed at Invitae indicates that this missense variant is not expected to disrupt EP300 protein function with a negative predictive value of 80%. In summary, the available evidence is currently insufficient to determine the role of this variant in disease. Therefore, it has been classified as a Variant of Uncertain Significance.

NM_001429.4(EP300):c.899C>G (p.Pro300Arg)

Gene: EP300 (EP300 lysine acetyltransferase; plus strand). Cytogenetic location: 22q13.2.
Variant type: single nucleotide variant.
Coding change: c.899C>G on transcript NM_001429.4 (MANE Select); coding-DNA position 899, C replaced by G.
Protein change: p.Pro300Arg; replaces proline 300 with arginine.
Molecular consequence: missense variant.
Genome position (GRCh38, 1-based): chr22:41,126,033, C>G. VCF-style: chr22-41126033-C-G. GRCh37 (hg19) VCF-style: chr22-41522037-C-G.
Other names: c.899C>G, p.Pro300Arg (NM_001362843.2); short protein forms P300R.
Identifiers: ClinVar variation 3652408 (VCV003652408.2).